The following is an entry in ClinVar:

NM_002439.5(MSH3):c.807G>T (p.Glu269Asp)

Gene: MSH3 (mutS homolog 3; plus strand). Cytogenetic location: 5q14.1.
Variant type: single nucleotide variant.
Coding change: c.807G>T on transcript NM_002439.5 (MANE Select); coding-DNA position 807, G replaced by T.
Protein change: p.Glu269Asp; replaces glutamic acid 269 with aspartic acid.
Molecular consequence: missense variant.
Genome position (GRCh38, 1-based): chr5:80,672,258, G>T. VCF-style: chr5-80672258-G-T. GRCh37 (hg19) VCF-style: chr5-79968077-G-T.
Other names: short protein forms E269D.
Identifiers: ClinVar variation 2055148 (VCV002055148.4), dbSNP rs2546722361, ClinGen allele CA360267076.

ClinVar aggregate classification (germline): Uncertain significance (1 of 4 stars; one submission).

Submission:

Labcorp Genetics (formerly Invitae), Labcorp
Classification: Uncertain significance. Last evaluated: 2021-12-23. Review status: criteria provided, single submitter. Criteria: Invitae Variant Classification Sherloc (09022015). Collection method: clinical testing. Allele origin: germline.
Comment: In summary, the available evidence is currently insufficient to determine the role of this variant in disease. Therefore, it has been classified as a Variant of Uncertain Significance. Algorithms developed to predict the effect of missense changes on protein structure and function are either unavailable or do not agree on the potential impact of this missense change (SIFT: "Tolerated"; PolyPhen-2: "Possibly Damaging"; Align-GVGD: "Class C0"). This variant has not been reported in the literature in individuals affected with MSH3-related conditions. This variant is not present in population databases (gnomAD no frequency). This sequence change replaces glutamic acid, which is acidic and polar, with aspartic acid, which is acidic and polar, at codon 269 of the MSH3 protein (p.Glu269Asp).